The following is an entry in ClinVar:

ClinVar aggregate classification (germline): Uncertain significance (1 of 4 stars; one submission).

Allele frequency attached by ClinVar (database versions not stated): gnomAD exomes 0.00001; gnomAD 0.00003.
gnomAD v4.1: 9 of 1,613,914 alleles (0.00056%); highest among the groups gnomAD compares: Admixed American, 0.013%; no homozygotes.

Submission:

Labcorp Genetics (formerly Invitae), Labcorp
Classification: Uncertain significance. Last evaluated: 2024-10-24. Review status: criteria provided, single submitter. Criteria: Invitae Variant Classification Sherloc (09022015). Collection method: clinical testing. Allele origin: germline.
Comment: This sequence change replaces histidine, which is basic and polar, with tyrosine, which is neutral and polar, at codon 20 of the LCA5 protein (p.His20Tyr). This variant is not present in population databases (gnomAD no frequency). This variant has not been reported in the literature in individuals affected with LCA5-related conditions. ClinVar contains an entry for this variant (Variation ID: 1435967). Invitae Evidence Modeling of protein sequence and biophysical properties (such as structural, functional, and spatial information, amino acid conservation, physicochemical variation, residue mobility, and thermodynamic stability) indicates that this missense variant is not expected to disrupt LCA5 protein function with a negative predictive value of 80%. In summary, the available evidence is currently insufficient to determine the role of this variant in disease. Therefore, it has been classified as a Variant of Uncertain Significance.

NM_001122769.3(LCA5):c.58C>T (p.His20Tyr)

Gene: LCA5 (lebercilin LCA5; minus strand). Cytogenetic location: 6q14.1.
Variant type: single nucleotide variant.
Coding change: c.58C>T on transcript NM_001122769.3 (MANE Select); coding-DNA position 58, C replaced by T.
Protein change: p.His20Tyr; replaces histidine 20 with tyrosine.
Molecular consequence: missense variant.
Genome position (GRCh38, 1-based): chr6:79,518,837, G>A on the plus strand (C>T on the coding strand, the complement: LCA5 is on the minus strand). VCF-style: chr6-79518837-G-A. GRCh37 (hg19) VCF-style: chr6-80228554-G-A.
Other names: c.58C>T, p.His20Tyr (NM_181714.4); short protein forms H20Y.
Identifiers: ClinVar variation 1435967 (VCV001435967.7), dbSNP rs1562109293, ClinGen allele CA364632063.
Genomic context (GRCh38, chr6:79,518,837, plus strand): 5'-TGACCAGCGATGATCGGCCAGAAGACTGTGGCGTTTCAAAATCAGATAAGTAAGAATAAT[G>A]GTGTTTGCCTGCCTTTCTTTCTTGATCAGTACCTGGACTTCCTGCTCTTTCCCCCATTGT-3'
Protein context (NP_001116241.1, residues 10-30): TDQERKAGKH[His20Tyr]YSYLSDFETP